The following is an entry in ClinVar:

NM_001365999.1(SZT2):c.8359C>T (p.Pro2787Ser)

Gene: SZT2 (SZT2 subunit of KICSTOR complex; plus strand). Cytogenetic location: 1p34.2.
Variant type: single nucleotide variant.
Coding change: c.8359C>T on transcript NM_001365999.1 (MANE Select); coding-DNA position 8359, C replaced by T.
Protein change: p.Pro2787Ser; replaces proline 2787 with serine.
Molecular consequence: missense variant.
Genome position (GRCh38, 1-based): chr1:43,443,026, C>T. VCF-style: chr1-43443026-C-T. GRCh37 (hg19) VCF-style: chr1-43908697-C-T.
Other names: c.8188C>T, p.Pro2730Ser (NM_015284.4); short protein forms P2787S, P2730S.
Identifiers: ClinVar variation 936048 (VCV000936048.9), dbSNP rs1655245375, ClinGen allele CA340038675.
Genomic context (GRCh38, chr1:43,443,026, plus strand): 5'-GCCCTAAGGGATATCACGGCTGCCCGCCCCAGCTCCGTACTTGGTCCTGTGCCCAGACCT[C>T]CTGATCCTGTCACCTACCATGGACAACAGTTCCTAGAGATCAAGATGGCAGAGCGCAGAG-3'
Protein context (NP_001352928.1, residues 2777-2797): SSVLGPVPRP[Pro2787Ser]DPVTYHGQQF

ClinVar aggregate classification (germline): Uncertain significance (1 of 4 stars; one submission).

Submission:

Labcorp Genetics (formerly Invitae), Labcorp
Classification: Uncertain significance. Last evaluated: 2022-08-16. Review status: criteria provided, single submitter. Criteria: Invitae Variant Classification Sherloc (09022015). Collection method: clinical testing. Allele origin: germline.
Comment: In summary, the available evidence is currently insufficient to determine the role of this variant in disease. Therefore, it has been classified as a Variant of Uncertain Significance. Algorithms developed to predict the effect of missense changes on protein structure and function (SIFT, PolyPhen-2, Align-GVGD) all suggest that this variant is likely to be tolerated. ClinVar contains an entry for this variant (Variation ID: 936048). This variant has not been reported in the literature in individuals affected with SZT2-related conditions. This variant is not present in population databases (gnomAD no frequency). This sequence change replaces proline, which is neutral and non-polar, with serine, which is neutral and polar, at codon 2730 of the SZT2 protein (p.Pro2730Ser).